The following is an entry in ClinVar:

NM_004006.3(DMD):c.4094T>C (p.Leu1365Pro)

Gene: DMD (dystrophin; minus strand). Cytogenetic location: Xp21.1.
Variant type: single nucleotide variant.
Coding change: c.4094T>C on transcript NM_004006.3 (MANE Select); coding-DNA position 4094, T replaced by C.
Protein change: p.Leu1365Pro; replaces leucine 1365 with proline.
Molecular consequence: missense variant.
Genome position (GRCh38, 1-based): chrX:32,411,891, A>G on the plus strand (T>C on the coding strand, the complement: DMD is on the minus strand). VCF-style: chrX-32411891-A-G. GRCh37 (hg19) VCF-style: chrX-32430008-A-G.
Other names: c.4070T>C, p.Leu1357Pro (NM_000109.4); c.4082T>C, p.Leu1361Pro (NM_004009.3); c.3725T>C, p.Leu1242Pro (NM_004010.3); c.71T>C, p.Leu24Pro (NM_004011.4); c.62T>C, p.Leu21Pro (NM_004012.4); short protein forms L1242P, L1365P, L21P, L24P, L1361P, L1357P.
Identifiers: ClinVar variation 942294 (VCV000942294.7), dbSNP rs752699296, ClinGen allele CA10379039.
Genomic context (GRCh38, chrX:32,411,891, plus strand): 5'-GACTCCTGGATTAAGTGTAAGGATTTTTCAGTCTCCTGGGCAGACTGGATGCTCTGTTCA[A>G]GCAACTTTTGCCTCCTTACAGCCTAAAAAGAAGGAATAAGAGTGTATCAGTTAAATGTTT-3'
Protein context (NP_003997.2, residues 1355-1375): HEEAVRRQKL[Leu1365Pro]EQSIQSAQET

ClinVar aggregate classification (germline): Uncertain significance. Review status: criteria provided, multiple submitters, no conflicts (2 of 4 stars). 3 submissions from 3 submitters: Uncertain significance (2). 1 of the submissions does not count toward it. Last evaluated 2025-08-18.

Conditions:
Cardiovascular phenotype. Identifiers: MedGen CN230736.
Duchenne muscular dystrophy (DMD). Also called: Duchenne Muscular Dystrophy (DMD); MUSCULAR DYSTROPHY, PSEUDOHYPERTROPHIC PROGRESSIVE, DUCHENNE TYPE. Identifiers: Orphanet 98896, MedGen C0013264, MONDO:0010679, OMIM 310200.
Cardiomyopathy (CMYO). Also called: Cardiomyopathies. Identifiers: Orphanet 167848, MedGen C0878544, MONDO:0004994, HP:0001638. Inheritance: Various modes of inheritance.
Dystrophin deficiency.
Becker muscular dystrophy (BMD). Also called: MUSCULAR DYSTROPHY, PSEUDOHYPERTROPHIC PROGRESSIVE, BECKER TYPE; Becker Muscular Dystrophy (BMD). Identifiers: Orphanet 98895, MedGen C0917713, MONDO:0010311, OMIM 300376.

Allele frequency attached by ClinVar (database versions not stated): ExAC 0.00001; gnomAD exomes 0.00001 and 0.00002; TOPMed 0.00002; gnomAD 0.00003.
gnomAD v4.1: 27 of 1,209,230 alleles (0.0022%); highest among the groups gnomAD compares: Non-Finnish European, 0.0029%; no homozygotes.

Submissions (3):

Labcorp Genetics (formerly Invitae), Labcorp
Classification: Uncertain significance for Duchenne muscular dystrophy. Last evaluated: 2025-08-18. Review status: criteria provided, single submitter. Criteria: Invitae Variant Classification Sherloc (09022015). Collection method: clinical testing. Allele origin: germline.
Comment: This sequence change replaces leucine, which is neutral and non-polar, with proline, which is neutral and non-polar, at codon 1365 of the DMD protein (p.Leu1365Pro). This variant is present in population databases (rs752699296, gnomAD 0.002%). This variant has not been reported in the literature in individuals affected with DMD-related conditions. ClinVar contains an entry for this variant (Variation ID: 942294). Invitae Evidence Modeling of protein sequence and biophysical properties (such as structural, functional, and spatial information, amino acid conservation, physicochemical variation, residue mobility, and thermodynamic stability) has been performed for this missense variant. However, the output from this modeling did not meet the statistical confidence thresholds required to predict the impact of this variant on DMD protein function. In summary, the available evidence is currently insufficient to determine the role of this variant in disease. Therefore, it has been classified as a Variant of Uncertain Significance.

Ambry Genetics
Classification: Uncertain significance for Cardiovascular phenotype. Last evaluated: 2023-12-18. Review status: criteria provided, single submitter. Criteria: Ambry Variant Classification Scheme 2023. Collection method: clinical testing. Allele origin: germline.
Comment: The p.L1365P variant (also known as c.4094T>C), located in coding exon 30 of the DMD gene, results from a T to C substitution at nucleotide position 4094. The leucine at codon 1365 is replaced by proline, an amino acid with similar properties. Based on data from gnomAD, the C allele has an overall frequency of <0.01% (2/204544) total alleles studied, with 1 hemizygote(s) observed. The highest observed frequency was <0.01% (2/92271) of European (non-Finnish) alleles. This amino acid position is highly conserved in available vertebrate species. In addition, this alteration is predicted to be deleterious by in silico analysis. Since supporting evidence is limited at this time, the clinical significance of this alteration remains unclear.

Natera, Inc.
Classification: Uncertain significance for Becker muscular dystrophy; Cardiomyopathy; Duchenne muscular dystrophy; Dystrophin deficiency. Last evaluated: 2018-10-01. Review status: no assertion criteria provided. Collection method: clinical testing. Allele origin: germline. Not counted in ClinVar's aggregate classification.